The following is an entry in ClinVar:

ClinVar aggregate classification (germline): Uncertain significance (1 of 4 stars; one submission).

Submission:

Labcorp Genetics (formerly Invitae), Labcorp
Classification: Uncertain significance. Last evaluated: 2024-05-01. Review status: criteria provided, single submitter. Criteria: Invitae Variant Classification Sherloc (09022015). Collection method: clinical testing. Allele origin: germline.
Comment: This sequence change replaces alanine, which is neutral and non-polar, with valine, which is neutral and non-polar, at codon 509 of the TNFRSF11A protein (p.Ala509Val). This variant is not present in population databases (gnomAD no frequency). This variant has not been reported in the literature in individuals affected with TNFRSF11A-related conditions. An algorithm developed to predict the effect of missense changes on protein structure and function (PolyPhen-2) suggests that this variant is likely to be tolerated. In summary, the available evidence is currently insufficient to determine the role of this variant in disease. Therefore, it has been classified as a Variant of Uncertain Significance.

NM_003839.4(TNFRSF11A):c.1526C>T (p.Ala509Val)

Gene: TNFRSF11A (TNF receptor superfamily member 11a; plus strand). Cytogenetic location: 18q21.33.
Variant type: single nucleotide variant.
Coding change: c.1526C>T on transcript NM_003839.4 (MANE Select); coding-DNA position 1526, C replaced by T.
Protein change: p.Ala509Val; replaces alanine 509 with valine.
Molecular consequence: missense variant. On other transcripts: intron variant (3).
Genome position (GRCh38, 1-based): chr18:62,369,443, C>T. VCF-style: chr18-62369443-C-T. GRCh37 (hg19) VCF-style: chr18-60036676-C-T.
Other names: c.1484C>T, p.Ala495Val (NM_001278268.2); c.783+2683C>T (NM_001270949.2); c.730+7650C>T (NM_001270950.2); c.616+9394C>T (NM_001270951.2); short protein forms A495V, A509V.
Identifiers: ClinVar variation 3671362 (VCV003671362.2).